The following is an entry in ClinVar:

ClinVar aggregate classification (germline): Uncertain significance (1 of 4 stars; one submission).

Submission:

Labcorp Genetics (formerly Invitae), Labcorp
Classification: Uncertain significance. Last evaluated: 2022-06-27. Review status: criteria provided, single submitter. Criteria: Invitae Variant Classification Sherloc (09022015). Collection method: clinical testing. Allele origin: germline.
Comment: This variant is not present in population databases (gnomAD no frequency). This variant has not been reported in the literature in individuals affected with LTBP2-related conditions. Algorithms developed to predict the effect of missense changes on protein structure and function (SIFT, PolyPhen-2, Align-GVGD) all suggest that this variant is likely to be disruptive. In summary, the available evidence is currently insufficient to determine the role of this variant in disease. Therefore, it has been classified as a Variant of Uncertain Significance. This sequence change replaces arginine, which is basic and polar, with glycine, which is neutral and non-polar, at codon 1645 of the LTBP2 protein (p.Arg1645Gly).

NM_000428.3(LTBP2):c.4933C>G (p.Arg1645Gly)

Gene: LTBP2 (latent transforming growth factor beta binding protein 2; minus strand). Cytogenetic location: 14q24.3.
Variant type: single nucleotide variant.
Coding change: c.4933C>G on transcript NM_000428.3 (MANE Select); coding-DNA position 4933, C replaced by G.
Protein change: p.Arg1645Gly; replaces arginine 1645 with glycine.
Molecular consequence: missense variant.
Genome position (GRCh38, 1-based): chr14:74,502,890, G>C on the plus strand (C>G on the coding strand, the complement: LTBP2 is on the minus strand). VCF-style: chr14-74502890-G-C. GRCh37 (hg19) VCF-style: chr14-74969593-G-C.
Other names: short protein forms R1645G.
Identifiers: ClinVar variation 1424230 (VCV001424230.8), dbSNP rs201795355, ClinGen allele CA390383876.